The following is an entry in ClinVar:

NM_004984.4(KIF5A):c.751G>A (p.Glu251Lys)

Gene: KIF5A (kinesin family member 5A; plus strand). Cytogenetic location: 12q13.3.
Variant type: single nucleotide variant.
Coding change: c.751G>A on transcript NM_004984.4 (MANE Select); coding-DNA position 751, G replaced by A.
Protein change: p.Glu251Lys; replaces glutamic acid 251 with lysine.
Molecular consequence: missense variant.
Genome position (GRCh38, 1-based): chr12:57,568,999, G>A. VCF-style: chr12-57568999-G-A. GRCh37 (hg19) VCF-style: chr12-57962782-G-A.
Other names: c.484G>A, p.Glu162Lys (NM_001354705.2); short protein forms E251K, E162K.
Identifiers: ClinVar variation 37127 (VCV000037127.66), dbSNP rs387907285, ClinGen allele CA130084.

ClinVar aggregate classification (germline): Pathogenic. Review status: criteria provided, multiple submitters, no conflicts (2 of 4 stars). 9 submissions from 9 submitters: Pathogenic (6). 3 of the submissions do not count toward it. Last evaluated 2025-06-07.

Conditions:
Myoclonus, intractable, neonatal (NEIMY). Identifiers: MedGen C4310658, MONDO:0014979, OMIM 617235.
Hereditary spastic paraplegia 10 (SPG10). Also called: SPASTIC PARAPLEGIA 10, AUTOSOMAL DOMINANT; SPASTIC PARAPLEGIA 10 WITH OR WITHOUT PERIPHERAL NEUROPATHY; SPASTIC PARAPLEGIA 10 WITH PERIPHERAL NEUROPATHY. Identifiers: Orphanet 100991, MedGen C1858712, MONDO:0011408, OMIM 604187.
Spastic paraplegia. Identifiers: MedGen C0037772, HP:0001258.

Allele frequency attached by ClinVar (database versions not stated): gnomAD exomes below 0.00001.
gnomAD v4.1: 1 of 1,613,954 alleles (0.000062%); highest among the groups gnomAD compares: Non-Finnish European, 0.000085%; no homozygotes.

Submissions (9):

Labcorp Genetics (formerly Invitae), Labcorp
Classification: Pathogenic for Spastic paraplegia. Last evaluated: 2025-06-07. Review status: criteria provided, single submitter. Criteria: Invitae Variant Classification Sherloc (09022015). Collection method: clinical testing. Allele origin: germline.
Comment: This sequence change replaces glutamic acid, which is acidic and polar, with lysine, which is basic and polar, at codon 251 of the KIF5A protein (p.Glu251Lys). This variant is not present in population databases (gnomAD no frequency). This missense change has been observed in individuals with spastic paraplegia (PMID: 18853458, 24123792, 28362824). ClinVar contains an entry for this variant (Variation ID: 37127). Invitae Evidence Modeling of protein sequence and biophysical properties (such as structural, functional, and spatial information, amino acid conservation, physicochemical variation, residue mobility, and thermodynamic stability) indicates that this missense variant is expected to disrupt KIF5A protein function with a positive predictive value of 95%. Experimental studies have shown that this missense change affects KIF5A function (PMID: 22714410). For these reasons, this variant has been classified as Pathogenic.

GeneDx
Classification: Pathogenic. Last evaluated: 2024-12-27. Review status: criteria provided, single submitter. Criteria: GeneDx Variant Classification Process June 2021. Collection method: clinical testing. Allele origin: germline. Affected: yes.
Comment: Published functional studies demonstrate a damaging effect (PMID: 28678816); Not observed at significant frequency in large population cohorts (gnomAD); In silico analysis supports that this missense variant has a deleterious effect on protein structure/function; This variant is associated with the following publications: (PMID: 22714410, 22785106, 25008398, 18853458, 34983064, 24123792, 28362824, 27165006, 28678816)

Institute of Human Genetics Munich, TUM University Hospital
Classification: Pathogenic for Hereditary spastic paraplegia 10. Last evaluated: 2024-05-28. Review status: criteria provided, single submitter. Criteria: Classification criteria August 2017. Collection method: clinical testing. Allele origin: germline. Inheritance: Autosomal dominant inheritance. Affected: yes. Observed: 1 variant allele.

CeGaT Center for Human Genetics Tuebingen
Classification: Pathogenic. Last evaluated: 2019-10-01. Review status: criteria provided, single submitter. Criteria: CeGaT Center For Human Genetics Tuebingen Variant Classification Criteria Version 2. Collection method: clinical testing. Allele origin: germline. Affected: yes. Observed: 1 variant allele.

ARUP Laboratories, Molecular Genetics and Genomics, ARUP Laboratories
Classification: Pathogenic. Last evaluated: 2018-01-22. Review status: criteria provided, single submitter. Criteria: ARUP Molecular Germline Variant Investigation Process. Collection method: clinical testing. Allele origin: germline.
Comment: The KIF5A c.751G>A; p.Glu251Lys variant (rs387907285) has been reported in the heterozygous state in at least six individuals from three families diagnosed with hereditary spastic paraplegia (Goizet 2009, Iqbal 2017, Neveling 2013), as well as a family member diagnosed with CMT (Goizet 2009). The affected amino acid is in a functionally important region of the proteinâ€™s head domain, and variants affecting nearby amino acids have been classified as pathogenic (Crimella 2012, Lynch 2016, Schule 2008). Functional studies of the homologous Drosophila gene showed that mutations in this region result in reduced mitochondrial and dense core vesicle flux within larval axons (Djagaeva 2012). This variant is absent from the general population databases (1000 Genomes Project, Exome Variant Server, Genome Aggregation Database), and is listed as pathogenic in ClinVar (ID 37127). Based on the available information, the p.Glu251Lys variant is classified as pathogenic.

Paris Brain Institute, Inserm - ICM
Classification: Pathogenic for Hereditary spastic paraplegia 10. Review status: criteria provided, single submitter. Criteria: ACMG Guidelines, 2015. Collection method: clinical testing. Allele origin: unknown. Affected: yes. Observed: 1 variant allele.

Solve-RD Consortium
Classification: Likely pathogenic for Myoclonus, intractable, neonatal. Last evaluated: 2022-06-01. Review status: no assertion criteria provided. Collection method: provider interpretation. Allele origin: inherited. Affected: yes. Not counted in ClinVar's aggregate classification.
Comment: Variant confirmed as disease-causing by referring clinical team

Variant identified during reanalysis of unsolved cases by the Solve-RD project. The Solve-RD project has received funding from the European Union’s Horizon 2020 research and innovation programme under grant agreement No 779257.

Clinical Genetics Laboratory, University Hospital Schleswig-Holstein
Classification: Pathogenic for Hereditary spastic paraplegia 10. Last evaluated: 2021-06-17. Review status: no assertion criteria provided. Collection method: clinical testing. Allele origin: germline. Affected: yes. Not counted in ClinVar's aggregate classification.

OMIM
Classification: Pathogenic for SPASTIC PARAPLEGIA 10 WITH OR WITHOUT PERIPHERAL NEUROPATHY. Last evaluated: 2009-02-01. Review status: no assertion criteria provided. Collection method: literature only. Allele origin: germline. Not counted in ClinVar's aggregate classification.

Literature cited by the submitters: PubMed 18853458 (cited by Labcorp Genetics (formerly Invitae), Labcorp and OMIM); PubMed 24123792 (cited by Labcorp Genetics (formerly Invitae), Labcorp); PubMed 28362824 (cited by Labcorp Genetics (formerly Invitae), Labcorp); PubMed 22714410 (cited by Labcorp Genetics (formerly Invitae), Labcorp); PubMed 39825153 (cited by Solve-RD Consortium).